The following is an entry in ClinVar:

ClinVar aggregate classification (germline): Uncertain significance (1 of 4 stars; one submission).

gnomAD v4.1: 2 of 1,050,431 alleles (0.00019%); highest among the groups gnomAD compares: Non-Finnish European, 0.00027%; no homozygotes.

Submission:

Women's Health and Genetics/Laboratory Corporation of America, LabCorp
Classification: Uncertain significance. Last evaluated: 2025-11-19. Review status: criteria provided, single submitter. Criteria: LabCorp Variant Classification Summary - May 2015. Collection method: clinical testing. Allele origin: germline.
Comment: Variant summary: OFD1 c.935+3A>G alters a non-conserved nucleotide located close to a canonical splice site and therefore could affect mRNA splicing, leading to a significantly altered protein sequence. Several computational tools predict a significant impact on normal splicing: One predicts the variant abolishes a 5' splicing donor site. Two predict the variant weakens a 5' donor site. One predicts the variant abolishes a cryptic 3' acceptor site. However, these predictions have yet to be confirmed by functional studies. The variant allele was found at a frequency of 5.5e-06 in 182693 control chromosomes. The available data on variant occurrences in the general population are insufficient to allow any conclusion about variant significance. To our knowledge, no occurrence of c.935+3A>G in individuals affected with OFD1-related conditions and no experimental evidence demonstrating its impact on protein function have been reported. No submitters have cited clinical-significance assessments for this variant to ClinVar. Based on the evidence outlined above, the variant was classified as uncertain significance.

NM_003611.3(OFD1):c.935+3A>G

Gene: OFD1 (OFD1 centriole and centriolar satellite protein; plus strand). Cytogenetic location: Xp22.2.
Variant type: single nucleotide variant.
Coding change: c.935+3A>G on transcript NM_003611.3 (MANE Select); 3 bases into the intron after coding-DNA position 935, A replaced by G.
Molecular consequence: intron variant.
Genome position (GRCh38, 1-based): chrX:13,749,536, A>G. VCF-style: chrX-13749536-A-G. GRCh37 (hg19) VCF-style: chrX-13767655-A-G.
Other names: c.515+3A>G (NM_001330210.2); c.935+3A>G (NM_001440947.1, NM_001330209.2, NM_001440948.1).
Identifiers: ClinVar variation 4537315 (VCV004537315.1).